The following is an entry in ClinVar:

ClinVar aggregate classification (germline): Uncertain significance. Review status: criteria provided, multiple submitters, no conflicts (2 of 4 stars). 5 submissions from 5 submitters: Uncertain significance (5). Last evaluated 2026-01-14.

Conditions:
P3H2-related disorder. Also called: P3H2-related condition.
Inborn genetic diseases. Identifiers: MedGen C0950123, MeSH D030342.

Allele frequency attached by ClinVar (database versions not stated): gnomAD exomes 0.00001 and 0.00003; ExAC 0.00003; gnomAD 0.00004; TOPMed 0.00005.
gnomAD v4.1: 28 of 1,608,766 alleles (0.0017%); highest among the groups gnomAD compares: Middle Eastern, 0.049%; no homozygotes.

Submissions (5):

Labcorp Genetics (formerly Invitae), Labcorp
Classification: Uncertain significance. Last evaluated: 2026-01-14. Review status: criteria provided, single submitter. Criteria: Invitae Variant Classification Sherloc (09022015). Collection method: clinical testing. Allele origin: germline.
Comment: This sequence change replaces arginine, which is basic and polar, with glycine, which is neutral and non-polar, at codon 571 of the P3H2 protein (p.Arg571Gly). This variant is present in population databases (rs776013018, gnomAD 0.006%). This variant has not been reported in the literature in individuals affected with P3H2-related conditions. ClinVar contains an entry for this variant (Variation ID: 1010615). Invitae Evidence Modeling of protein sequence and biophysical properties (such as structural, functional, and spatial information, amino acid conservation, physicochemical variation, residue mobility, and thermodynamic stability) indicates that this missense variant is not expected to disrupt P3H2 protein function with a negative predictive value of 80%. In summary, the available evidence is currently insufficient to determine the role of this variant in disease. Therefore, it has been classified as a Variant of Uncertain Significance.

PreventionGenetics, part of Exact Sciences
Classification: Uncertain significance for P3H2-related condition. Last evaluated: 2025-03-10. Review status: criteria provided, single submitter. Criteria: ACMG Guidelines, 2015. Collection method: clinical testing. Allele origin: germline.
Comment: The P3H2 c.1711A>G variant is predicted to result in the amino acid substitution p.Arg571Gly. To our knowledge, this variant has not been reported in the literature. This variant is reported in 0.0054% of alleles in individuals of European (Non-Finnish) descent in gnomAD. At this time, the clinical significance of this variant is uncertain due to the absence of conclusive functional and genetic evidence.

Ambry Genetics
Classification: Uncertain significance for Inborn genetic diseases. Last evaluated: 2024-12-21. Review status: criteria provided, single submitter. Criteria: Ambry Variant Classification Scheme 2023. Collection method: clinical testing. Allele origin: germline.

Blueprint Genetics
Classification: Uncertain significance. Last evaluated: 2024-02-09. Review status: criteria provided, single submitter. Criteria: ACMG Guidelines, 2015. Collection method: clinical testing. Allele origin: germline.

Breakthrough Genomics
Classification: Uncertain significance. Review status: criteria provided, single submitter. Criteria: ACMG Guidelines, 2015. Collection method: not provided. Allele origin: germline. Inheritance: Autosomal recessive inheritance. Affected: yes.

NM_018192.4(P3H2):c.1711A>G (p.Arg571Gly)

Gene: P3H2 (prolyl 3-hydroxylase 2; minus strand). Cytogenetic location: 3q28.
Variant type: single nucleotide variant.
Coding change: c.1711A>G on transcript NM_018192.4 (MANE Select); coding-DNA position 1711, A replaced by G.
Protein change: p.Arg571Gly; replaces arginine 571 with glycine.
Molecular consequence: missense variant.
Genome position (GRCh38, 1-based): chr3:189,971,996, T>C on the plus strand (A>G on the coding strand, the complement: P3H2 is on the minus strand). VCF-style: chr3-189971996-T-C. GRCh37 (hg19) VCF-style: chr3-189689785-T-C.
Other names: c.1168A>G, p.Arg390Gly (NM_001134418.2); c.1711A>G (NM_018192.3); short protein forms R390G, R571G.
Identifiers: ClinVar variation 1010615 (VCV001010615.9), dbSNP rs776013018, ClinGen allele CA2752797.